The following is an entry in ClinVar:

ClinVar aggregate classification (germline): Likely benign (0 of 4 stars; one submission).

Conditions:
PGAP2-related disorder. Also called: PGAP2-related condition.

Allele frequency attached by ClinVar (database versions not stated): 1000 Genomes Project 30x 0.00016; 1000 Genomes Project 0.00020; ExAC 0.00009.
gnomAD v4.1: 66 of 1,614,226 alleles (0.0041%); highest among the groups gnomAD compares: East Asian, 0.013%; no homozygotes.

Submission:

PreventionGenetics, part of Exact Sciences
Classification: Likely benign for PGAP2-related condition. Last evaluated: 2019-02-28. Review status: no assertion criteria provided. Collection method: clinical testing. Allele origin: germline.
Comment: This variant is classified as likely benign based on ACMG/AMP sequence variant interpretation guidelines (Richards et al. 2015 PMID: 25741868, with internal and published modifications).

NM_014489.4(PGAP2):c.645C>G (p.Leu215=)

Gene: PGAP2 (post-GPI attachment to proteins 2; plus strand). Cytogenetic location: 11p15.4.
Variant type: single nucleotide variant.
Coding change: c.645C>G on transcript NM_014489.4 (MANE Select); coding-DNA position 645, C replaced by G.
Protein change: p.Leu215=; no amino-acid change (leucine 215 retained).
Molecular consequence: synonymous variant. On other transcripts: missense variant (4), non-coding transcript variant (15).
Genome position (GRCh38, 1-based): chr11:3,824,313, C>G. VCF-style: chr11-3824313-C-G. GRCh37 (hg19) VCF-style: chr11-3845543-C-G.
Other names: c.462C>G, p.Leu154= (NM_001145438.3, NM_001256237.2, NM_001256238.2 and 7 more transcripts); c.516C>G, p.Leu172= (NM_001256235.2); c.645C>G, p.Leu215= (NM_001256236.2, NM_001346403.1); c.385C>G, p.Arg129Gly (NM_001283039.2); c.205C>G, p.Arg69Gly (NM_001283040.1); c.615C>G, p.Leu205= (NM_001346397.2); c.472C>G, p.Arg158Gly (NM_001346399.2, NM_001346401.2); c.582C>G, p.Leu194= (NM_001346402.2); short protein forms R158G, R196G, R69G, R129G.
Identifiers: ClinVar variation 3046288 (VCV003046288.2), dbSNP rs559872012, ClinGen allele CA5829836.
Genomic context (GRCh38, chr11:3,824,313, plus strand): 5'-ATCCTCTTTCCCTCCAGCCATCCACGAAAATGCTTTCATTGTGTTCATTGCCTCATCCCT[C>G]GGGCACATGCTCCTCACCTGCATTCTCTGGCGGTTGACCAAGAAGCACACAGTAAGTCAG-3'
Protein context (NP_055304.1, residues 205-225): NAFIVFIASS[Leu215=]GHMLLTCILW